The following is an entry in ClinVar:

NM_002661.5(PLCG2):c.689T>C (p.Leu230Pro)

Gene: PLCG2 (phospholipase C gamma 2; plus strand). Cytogenetic location: 16q23.3.
Variant type: single nucleotide variant.
Coding change: c.689T>C on transcript NM_002661.5 (MANE Select); coding-DNA position 689, T replaced by C.
Protein change: p.Leu230Pro; replaces leucine 230 with proline.
Molecular consequence: missense variant.
Genome position (GRCh38, 1-based): chr16:81,880,950, T>C. VCF-style: chr16-81880950-T-C. GRCh37 (hg19) VCF-style: chr16-81914555-T-C.
Other names: short protein forms L230P.
Identifiers: ClinVar variation 1416609 (VCV001416609.8), dbSNP rs762467148, ClinGen allele CA8193355.

ClinVar aggregate classification (germline): Uncertain significance (1 of 4 stars; one submission).

Conditions:
Familial cold autoinflammatory syndrome 3 (FCAS3). Also called: FAMILIAL ATYPICAL COLD URTICARIA; ANTIBODY DEFICIENCY AND IMMUNE DYSREGULATION, PLCG2-ASSOCIATED. Identifiers: Orphanet 300359, MedGen C3280914, MONDO:0013766, OMIM 614468.

Allele frequency attached by ClinVar (database versions not stated): ExAC 0.00001; gnomAD 0.00001; gnomAD exomes 0.00002.
gnomAD v4.1: 34 of 1,613,996 alleles (0.0021%); highest among the groups gnomAD compares: Non-Finnish European, 0.0028%; no homozygotes.

Submission:

Labcorp Genetics (formerly Invitae), Labcorp
Classification: Uncertain significance for Familial cold autoinflammatory syndrome 3. Last evaluated: 2025-12-04. Review status: criteria provided, single submitter. Criteria: Invitae Variant Classification Sherloc (09022015). Collection method: clinical testing. Allele origin: germline.
Comment: This sequence change replaces leucine, which is neutral and non-polar, with proline, which is neutral and non-polar, at codon 230 of the PLCG2 protein (p.Leu230Pro). This variant is present in population databases (rs762467148, gnomAD 0.004%). This variant has not been reported in the literature in individuals affected with PLCG2-related conditions. ClinVar contains an entry for this variant (Variation ID: 1416609). An algorithm developed to predict the effect of missense changes on protein structure and function (PolyPhen-2) suggests that this variant is likely to be disruptive. In summary, the available evidence is currently insufficient to determine the role of this variant in disease. Therefore, it has been classified as a Variant of Uncertain Significance.